The following is an entry in ClinVar:

ClinVar aggregate classification (germline): Likely benign. Review status: criteria provided, multiple submitters, no conflicts (2 of 4 stars). 3 submissions from 3 submitters: Likely benign (3). Last evaluated 2026-04-27.

Conditions:
ALPK3-related disorder. Also called: ALPK3-related condition.
Cardiovascular phenotype. Identifiers: MedGen CN230736.

Allele frequency attached by ClinVar (database versions not stated): gnomAD 0.00003 and 0.00004; gnomAD exomes 0.00004 and 0.00007; TOPMed 0.00005; ESP Exome Variant Server 0.00008; ExAC 0.00012.
gnomAD v4.1: 56 of 1,582,474 alleles (0.0035%); highest among the groups gnomAD compares: Admixed American, 0.018%; no homozygotes.

Submissions (3):

PreventionGenetics, part of Exact Sciences
Classification: Likely benign for ALPK3-related condition. Last evaluated: 2026-04-27. Review status: criteria provided, single submitter. Criteria: ACMG Guidelines, 2015. Collection method: clinical testing. Allele origin: germline.
Comment: This variant is classified as likely benign based on ACMG/AMP sequence variant interpretation guidelines (Richards et al. 2015 PMID: 25741868, with internal and published modifications).

Labcorp Genetics (formerly Invitae), Labcorp
Classification: Likely benign. Last evaluated: 2025-11-23. Review status: criteria provided, single submitter. Criteria: Invitae Variant Classification Sherloc (09022015). Collection method: clinical testing. Allele origin: germline.

Ambry Genetics
Classification: Likely benign for Cardiovascular phenotype. Last evaluated: 2019-07-02. Review status: criteria provided, single submitter. Criteria: Ambry Variant Classification Scheme 2023. Collection method: clinical testing. Allele origin: germline.

NM_020778.5(ALPK3):c.3757C>T (p.Leu1253=)

Gene: ALPK3 (alpha kinase 3; plus strand). Cytogenetic location: 15q25.3.
Variant type: single nucleotide variant.
Coding change: c.3757C>T on transcript NM_020778.5 (MANE Select); coding-DNA position 3757, C replaced by T.
Protein change: p.Leu1253=; no amino-acid change (leucine 1253 retained).
Molecular consequence: synonymous variant.
Genome position (GRCh38, 1-based): chr15:84,858,495, C>T. VCF-style: chr15-84858495-C-T. GRCh37 (hg19) VCF-style: chr15-85401726-C-T.
Identifiers: ClinVar variation 1613160 (VCV001613160.11), dbSNP rs368308206, ClinGen allele CA7709713.